The following is an entry in ClinVar:

NM_000080.4(CHRNE):c.840del (p.Leu281fs)

Genes: C17orf107 (chromosome 17 open reading frame 107; plus strand), CHRNE (cholinergic receptor nicotinic epsilon subunit; minus strand). Cytogenetic location: 17p13.2.
Variant type: Deletion.
Coding change: c.840del on transcript NM_000080.4 (MANE Select); coding-DNA position 840, one base deleted (G; older notation c.840delG).
Protein change: p.Leu281fs; shifts the reading frame from leucine 281.
Molecular consequence: frameshift variant. On other transcripts: 3 prime UTR variant (1).
Genome position (GRCh38, 1-based): chr17:4,900,870, C deleted on the plus strand (G on the coding strand, the reverse complement: CHRNE is on the minus strand). VCF-style (leftmost placement, unchanged base first): chr17-4900869-GC-G. GRCh37 (hg19) VCF-style: chr17-4804164-GC-G.
Other names: c.*337del (NM_001145536.2); short protein forms L281fs.
Identifiers: ClinVar variation 5014584 (VCV005014584.1).

ClinVar aggregate classification (germline): Pathogenic (1 of 4 stars; one submission).

Conditions:
Congenital myasthenic syndrome (CMS). Also called: Congenital Myasthenic Syndromes. Identifiers: Orphanet 590, MedGen C0751882, MeSH D020294, MONDO:0018940.

Submission:

Myriad Genetics, Inc.
Classification: Pathogenic for Congenital myasthenic syndrome. Last evaluated: 2025-06-11. Review status: criteria provided, single submitter. Criteria: Myriad Autosomal Dominant, Autosomal Recessive and X-Linked Classification Criteria (2023). Collection method: clinical testing. Allele origin: unknown.
Comment: NM_000080.3(CHRNE):c.840delG(L281Sfs*19) is expected to be pathogenic in the context of congenital myasthenic syndrome, CHRNE-related. This variant is predicted to lead to an abnormal or absent protein product due to the creation of a premature termination codon in CHRNE, a gene where loss-of-function variants are known to be pathogenic. Please note: this variant was assessed in the context of healthy population screening.